The following is an entry in ClinVar:

ClinVar aggregate classification (germline): Uncertain significance (1 of 4 stars; one submission).

Allele frequency attached by ClinVar (database versions not stated): gnomAD exomes below 0.00001; TOPMed below 0.00001; gnomAD 0.00001.
gnomAD v4.1: 2 of 1,209,557 alleles (0.00017%); highest among the groups gnomAD compares: Non-Finnish European, 0.00022%; no homozygotes.

Submission:

GeneDx
Classification: Uncertain significance. Last evaluated: 2019-10-04. Review status: criteria provided, single submitter. Criteria: GeneDx Variant Classification Process June 2021. Collection method: clinical testing. Allele origin: germline. Affected: yes.
Comment: Not observed in large population cohorts (Lek et al., 2016); In silico analysis, which includes protein predictors and evolutionary conservation, supports a deleterious effect; Has not been previously published as pathogenic or benign to our knowledge

NM_004615.4(TSPAN7):c.706T>C (p.Cys236Arg)

Gene: TSPAN7 (tetraspanin 7; plus strand). Cytogenetic location: Xp11.4.
Variant type: single nucleotide variant.
Coding change: c.706T>C on transcript NM_004615.4 (MANE Select); coding-DNA position 706, T replaced by C.
Protein change: p.Cys236Arg; replaces cysteine 236 with arginine.
Molecular consequence: missense variant.
Genome position (GRCh38, 1-based): chrX:38,687,623, T>C. VCF-style: chrX-38687623-T-C. GRCh37 (hg19) VCF-style: chrX-38546877-T-C.
Other names: short protein forms C236R.
Identifiers: ClinVar variation 1308786 (VCV001308786.2), dbSNP rs1218393567, ClinGen allele CA412982906.